The following is an entry in ClinVar:

ClinVar aggregate classification (germline): Conflicting classifications of pathogenicity. Review status: criteria provided, conflicting classifications (1 of 4 stars). 3 submissions from 3 submitters: Uncertain significance (2); Likely benign (1). Last evaluated 2026-02-02.

Allele frequency attached by ClinVar (database versions not stated): 1000 Genomes Project 30x 0.00016; 1000 Genomes Project 0.00020.
gnomAD v4.1: 120 of 1,606,744 alleles (0.0075%); highest among the groups gnomAD compares: Non-Finnish European, 0.01%; no homozygotes.

Submissions (3):

Labcorp Genetics (formerly Invitae), Labcorp
Classification: Likely benign. Last evaluated: 2026-02-02. Review status: criteria provided, single submitter. Criteria: Invitae Variant Classification Sherloc (09022015). Collection method: clinical testing. Allele origin: germline.

GeneDx
Classification: Uncertain significance. Last evaluated: 2022-11-03. Review status: criteria provided, single submitter. Criteria: GeneDx Variant Classification Process June 2021. Collection method: clinical testing. Allele origin: germline. Affected: yes.
Comment: In silico analysis supports that this missense variant does not alter protein structure/function; Has not been previously published as pathogenic or benign to our knowledge

Blueprint Genetics
Classification: Uncertain significance. Last evaluated: 2022-03-18. Review status: criteria provided, single submitter. Criteria: ACMG Guidelines, 2015. Collection method: clinical testing. Allele origin: germline.

NM_130837.3(OPA1):c.1996G>A (p.Val666Ile)

Gene: OPA1 (OPA1 mitochondrial dynamin like GTPase; plus strand). Cytogenetic location: 3q29.
Variant type: single nucleotide variant.
Coding change: c.1996G>A on transcript NM_130837.3 (MANE Select); coding-DNA position 1996, G replaced by A.
Protein change: p.Val666Ile; replaces valine 666 with isoleucine.
Molecular consequence: missense variant.
Genome position (GRCh38, 1-based): chr3:193,648,855, G>A. VCF-style: chr3-193648855-G-A. GRCh37 (hg19) VCF-style: chr3-193366644-G-A.
Other names: c.1462G>A, p.Val488Ile (NM_001354663.2); c.1459G>A, p.Val487Ile (NM_001354664.2); c.1831G>A, p.Val611Ile (NM_015560.3); c.1723G>A, p.Val575Ile (NM_130831.3); c.1777G>A, p.Val593Ile (NM_130832.3); c.1834G>A, p.Val612Ile (NM_130833.3); c.1885G>A, p.Val629Ile (NM_130834.3); c.1888G>A, p.Val630Ile (NM_130835.3); and 1 more; short protein forms V487I, V488I, V575I, V593I, V611I, V612I, V629I, V630I.
Identifiers: ClinVar variation 1190076 (VCV001190076.10), dbSNP rs200756304, ClinGen allele CA2759553.
Genomic context (GRCh38, chr3:193,648,855, plus strand): 5'-AATGAACTATTTGAAAAAGCTAAAAATGAAATCCTTGATGAAGTTATCAGTCTGAGCCAG[G>A]TTACACCAAAACATTGGTAAGTATTTGATATTAATCTCTTTTCTGAAAGACTTTACTGTA-3'
Protein context (NP_570850.2, residues 656-676): ILDEVISLSQ[Val666Ile]TPKHWEEILQ